The following is an entry in ClinVar:

ClinVar aggregate classification (germline): Uncertain significance (1 of 4 stars; one submission).

Conditions:
Beckwith-Wiedemann syndrome (BWS). Also called: EMG SYNDROME; Exomphalos macroglossia gigantism syndrome. Identifiers: Orphanet 116, MedGen C0004903, MONDO:0007534, OMIM 130650.

Submission:

Labcorp Genetics (formerly Invitae), Labcorp
Classification: Uncertain significance for Beckwith-Wiedemann syndrome. Last evaluated: 2022-08-02. Review status: criteria provided, single submitter. Criteria: Invitae Variant Classification Sherloc (09022015). Collection method: clinical testing. Allele origin: germline.
Comment: In summary, the available evidence is currently insufficient to determine the role of this variant in disease. Therefore, it has been classified as a Variant of Uncertain Significance. Experimental studies and prediction algorithms are not available or were not evaluated, and the functional significance of this variant is currently unknown. This variant has not been reported in the literature in individuals affected with CDKN1C-related conditions. This variant is not present in population databases (gnomAD no frequency). This variant, c.763_777dup, results in the insertion of 5 amino acid(s) of the CDKN1C protein (p.Ala255_Ala259dup), but otherwise preserves the integrity of the reading frame.

NM_001122630.2(CDKN1C):c.730_744dup (p.Ala248_Asn249insAlaAlaAlaSerAla)

Gene: CDKN1C (cyclin dependent kinase inhibitor 1C; minus strand). Cytogenetic location: 11p15.4.
Variant type: Duplication.
Coding change: c.730_744dup on transcript NM_001122630.2 (MANE Select); coding-DNA positions 730 to 744, 15 bases duplicated (GCGGCCGCCAGCGCC).
Protein change: p.Ala248_Asn249insAlaAlaAlaSerAla.
Molecular consequence: inframe insertion. On other transcripts: intron variant (1).
Genome position (GRCh38, 1-based): chr11:2,884,713-2,884,727, GGCGCTGGCGGCCGC duplicated on the plus strand (GCGGCCGCCAGCGCC on the coding strand, the reverse complement: CDKN1C is on the minus strand); duplicating any 15 consecutive bases within chr11:2,884,713-2,884,729 gives the same sequence; the c. name uses the placement nearest the transcript's 3' end. VCF-style (leftmost placement, unchanged base first): chr11-2884712-T-TGGCGCTGGCGGCCGC. GRCh37 (hg19) VCF-style: chr11-2905942-T-TGGCGCTGGCGGCCGC.
Other names: c.763_777dup, p.Ala259_Asn260insAlaAlaAlaSerAla (NM_000076.2, NM_001362474.2); c.730_744dup, p.Ala248_Asn249insAlaAlaAlaSerAla (NM_001122631.2); c.255+475_255+489dup (NM_001362475.2).
Identifiers: ClinVar variation 1915594 (VCV001915594.5), dbSNP rs2494383537, ClinGen allele CA2580082656.